The following is an entry in ClinVar:

NM_017617.5(NOTCH1):c.1317del (p.Gln439fs)

Gene: NOTCH1 (notch receptor 1; minus strand). Cytogenetic location: 9q34.3.
Variant type: Deletion.
Coding change: c.1317del on transcript NM_017617.5 (MANE Select); coding-DNA position 1317, one base deleted (G; older notation c.1317delG).
Protein change: p.Gln439fs; shifts the reading frame from glutamine 439.
Molecular consequence: frameshift variant.
Genome position (GRCh38, 1-based): chr9:136,517,876, C deleted on the plus strand (G on the coding strand, the reverse complement: NOTCH1 is on the minus strand). VCF-style (leftmost placement, unchanged base first): chr9-136517875-AC-A. GRCh37 (hg19) VCF-style: chr9-139412327-AC-A.
Other names: short protein forms Q439fs.
Identifiers: ClinVar variation 4813712 (VCV004813712.1).

ClinVar aggregate classification (germline): Likely pathogenic (1 of 4 stars; one submission).

Conditions:
Autosomal dominant NOTCH1-related disorders.

Submission:

Variantyx, Inc.
Classification: Likely pathogenic for Autosomal dominant NOTCH1-related disorders. Last evaluated: 2025-11-05. Review status: criteria provided, single submitter. Criteria: Variantyx Assertion Criteria 2022. Collection method: clinical testing. Allele origin: germline. Inheritance: Autosomal recessive inheritance. Affected: yes.
Comment: This is a frameshift variant in the NOTCH1 gene (OMIM: 190198). Pathogenic variants in this gene have been associated with autosomal dominant NOTCH1-related disorders. This variant introduces a premature termination codon in exon 8 out of 34 and is expected to result in loss of function, which is a known disease mechanism for NOTCH1 in this disorder (PMID: 16025100, 21457232, 25132448, 25963545) (PVS1). This variant is absent from control populations (PM2) and has not been reported in individuals with NOTCH1-related disorders in the databases available for review. Based on the current evidence, this variant is classified as likely pathogenic for autosomal dominant NOTCH1-related disorders.

Literature cited by the submitters: PubMed 16025100; PubMed 21457232; PubMed 25132448; PubMed 25963545.